The following is an entry in ClinVar:

NM_004415.4(DSP):c.5745dup (p.Lys1916Ter)

Gene: DSP (desmoplakin; plus strand). Cytogenetic location: 6p24.3.
Variant type: Duplication.
Coding change: c.5745dup on transcript NM_004415.4 (MANE Select); coding-DNA position 5745, one base duplicated (T; older notation c.5745dupT).
Protein change: p.Lys1916Ter; replaces lysine 1916 with a stop codon.
Molecular consequence: nonsense.
Genome position (GRCh38, 1-based): chr6:7,583,007, T duplicated. VCF-style (leftmost placement, unchanged base first): chr6-7583006-G-GT. GRCh37 (hg19) VCF-style: chr6-7583239-G-GT.
Other names: c.5745dupT (NM_004415.4); c.5745dup (LRG_423t1); c.3948dup, p.Lys1317Ter (NM_001008844.3); c.4416dup, p.Lys1473Ter (NM_001319034.2); short protein forms K1473*, K1916*, K1317*.
Identifiers: ClinVar variation 405223 (VCV000405223.13), dbSNP rs1060500607, ClinGen allele CA16612041.

ClinVar aggregate classification (germline): Pathogenic. Review status: criteria provided, multiple submitters, no conflicts (2 of 4 stars). 4 submissions from 3 submitters: Pathogenic (4). Last evaluated 2025-10-03.

Conditions:
Familial isolated arrhythmogenic right ventricular dysplasia. Identifiers: Orphanet 217656, MedGen C4274968, MONDO:0016342.
Arrhythmogenic right ventricular dysplasia 8 (ARVD8). Also called: Arrhythmogenic Right Ventricular Dysplasia/Cardiomyopathy 8; ARRHYTHMOGENIC RIGHT VENTRICULAR DYSPLASIA, FAMILIAL, 8; ARRHYTHMOGENIC RIGHT VENTRICULAR CARDIOMYOPATHY 8. Identifiers: MedGen C1843896, MONDO:0011831, OMIM 607450.
Cardiovascular phenotype. Identifiers: MedGen CN230736.
Arrhythmogenic cardiomyopathy with wooly hair and keratoderma. Also called: PALMOPLANTAR KERATODERMA WITH LEFT VENTRICULAR CARDIOMYOPATHY AND WOOLLY HAIR; Carvajal syndrome; Dilated cardiomyopathy with woolly hair and keratoderma; Arrhythmogenic cardiomyopathy with woolly hair and keratoderma. Identifiers: Orphanet 65282, MedGen C1854063, MONDO:0011581, OMIM 605676.

Allele frequency attached by ClinVar (database versions not stated): gnomAD exomes below 0.00001.

Submissions (4):

Women's Health and Genetics/Laboratory Corporation of America, LabCorp
Classification: Pathogenic for Familial isolated arrhythmogenic right ventricular dysplasia. Last evaluated: 2025-10-03. Review status: criteria provided, single submitter. Criteria: LabCorp Variant Classification Summary - May 2015. Collection method: clinical testing. Allele origin: germline.
Comment: Variant summary: DSP c.5745dupT (p.Lys1916X) results in a premature termination codon, predicted to cause a truncation of the encoded protein. Although, it is not expected to undergo nonsense mediated decay, pathogenic variants have been observed downstream in our laboratory. The variant allele was found at a frequency of 4e-06 in 251144 control chromosomes. To our knowledge, no occurrence of c.5745dupT in individuals affected with DSP-related conditions and no experimental evidence demonstrating its impact on protein function have been reported. ClinVar contains an entry for this variant (Variation ID: 405223). Based on the evidence outlined above, the variant was classified as pathogenic.

Labcorp Genetics (formerly Invitae), Labcorp
Classification: Pathogenic for Arrhythmogenic cardiomyopathy with wooly hair and keratoderma; Arrhythmogenic right ventricular dysplasia 8. Last evaluated: 2023-01-10. Review status: criteria provided, single submitter. Criteria: Invitae Variant Classification Sherloc (09022015). Collection method: clinical testing. Allele origin: germline.
Comment: For these reasons, this variant has been classified as Pathogenic. This variant disrupts a region of the DSP protein in which other variant(s) (p.Thr2634Lysfs*4) have been determined to be pathogenic (PMID: 11063735). This suggests that this is a clinically significant region of the protein, and that variants that disrupt it are likely to be disease-causing. ClinVar contains an entry for this variant (Variation ID: 405223). This variant has not been reported in the literature in individuals affected with DSP-related conditions. This variant is present in population databases (no rsID available, gnomAD 0.003%). This sequence change creates a premature translational stop signal (p.Lys1916*) in the DSP gene. While this is not anticipated to result in nonsense mediated decay, it is expected to disrupt the last 956 amino acid(s) of the DSP protein.

Ambry Genetics
Classification: Pathogenic for Cardiovascular phenotype. Last evaluated: 2019-10-28. Review status: criteria provided, single submitter. Criteria: Ambry Variant Classification Scheme 2023. Collection method: clinical testing. Allele origin: germline.
Comment: The c.5745dupT pathogenic mutation, located in coding exon 24 of the DSP gene, results from a duplication of T at nucleotide position 5745. This changes the amino acid at position 1916 from a lysine to a stop codon (p.K1916*). Alterations in DSP that result in haploinsufficiency or protein truncation have been reported in patients with arrhythmogenic right ventricular cardiomyopathy (ARVC) and dilated cardiomyopathy (DCM) (Fressart V et al. Europace. 2010;12(6):861-8; Elliott P et al. Circ Cardiovasc Genet. 2010;3(4):314-22; Quarta G et al. Circulation. 2011;123(23):2701-9; Garcia-Pavia P et al. Heart. 2011;97(21):1744-52; Rasmussen TB et al. Clin Genet. 2013;84(1):20-30; Pugh TJ et al. Genet Med. 2014;16(8):601-8). This alteration occurs at the 3' terminus of DSP and is not expected to trigger nonsense-mediated mRNA decay; however, it results in the removal of 956 amino acids comprising approximately 33% of the protein. While the exact functional impact of these removed amino acids is unknown, the eliminated regions include the plakin repeats, plectin domains, tandem repeats of G-S-R-[SR], and domains required for keratin and intermediate filament interaction. In addition, several alterations more C-terminal than this variant have been detected in ARVC and DCM cohorts (e.g., c.8077_8080delAAG and c.8188delC in Walsh R et al. Genet. Med. 2017;19:192-203). Based on the supporting evidence, this alteration is interpreted as a disease-causing mutation.

Labcorp Genetics (formerly Invitae), Labcorp
Classification: Pathogenic for Arrhythmogenic right ventricular dysplasia 8. Last evaluated: 2017-05-23. Review status: criteria provided, single submitter. Criteria: Invitae Variant Classification Sherloc (09022015). Collection method: clinical testing. Allele origin: germline.
Comment: This sequence change inserts 1 nucleotide in exon 24 of the DSP mRNA (c.5745dupT), causing a frameshift at codon 1916. This creates a premature translational stop signal in the last exon of the DSP mRNA (p.Lys1916*). While this is not anticipated to result in nonsense mediated decay, it is expected to result in a truncated DSP protein. While this truncation has not been reported in the literature, a truncating variant located downstream in exon 24 has been reported to be deleterious (PMID: 11063735). For these reasons, this variant has been classified as Pathogenic.

Literature cited by the submitters: PubMed 11063735 (cited by Labcorp Genetics (formerly Invitae), Labcorp).